The following is an entry in ClinVar:

ClinVar aggregate classification (germline): Uncertain significance (1 of 4 stars; one submission).

Conditions:
Cranioectodermal dysplasia 2 (CED2). Identifiers: Orphanet 1515, MedGen C3150874, MONDO:0013323, OMIM 613610.
Short-rib thoracic dysplasia 7 with or without polydactyly (SRTD7). Also called: Short rib polydactyly syndrome 5; SHORT-RIB THORACIC DYSPLASIA 7 WITH POLYDACTYLY. Identifiers: Orphanet 498497, Orphanet 93271, MedGen C3279792, MONDO:0013569, OMIM 614091.

Submission:

Labcorp Genetics (formerly Invitae), Labcorp
Classification: Uncertain significance for Cranioectodermal dysplasia 2; Short-rib thoracic dysplasia 7 with or without polydactyly. Last evaluated: 2024-04-03. Review status: criteria provided, single submitter. Criteria: Invitae Variant Classification Sherloc (09022015). Collection method: clinical testing. Allele origin: germline.
Comment: This sequence change falls in intron 17 of the WDR35 gene. It does not directly change the encoded amino acid sequence of the WDR35 protein. This variant is not present in population databases (gnomAD no frequency). This variant has not been reported in the literature in individuals affected with WDR35-related conditions. ClinVar contains an entry for this variant (Variation ID: 1485606). Algorithms developed to predict the effect of sequence changes on RNA splicing suggest that this variant may disrupt the consensus splice site. In summary, the available evidence is currently insufficient to determine the role of this variant in disease. Therefore, it has been classified as a Variant of Uncertain Significance.

NM_020779.4(WDR35):c.1846-7T>A

Gene: WDR35 (WD repeat domain 35; minus strand). Cytogenetic location: 2p24.1.
Variant type: single nucleotide variant.
Coding change: c.1846-7T>A on transcript NM_020779.4 (MANE Select); 7 bases into the intron before coding-DNA position 1846, T replaced by A.
Molecular consequence: intron variant.
Genome position (GRCh38, 1-based): chr2:19,941,846, A>T on the plus strand (T>A on the coding strand, the complement: WDR35 is on the minus strand). VCF-style: chr2-19941846-A-T. GRCh37 (hg19) VCF-style: chr2-20141607-A-T.
Other names: c.1879-7T>A (NM_001006657.2).
Identifiers: ClinVar variation 1485606 (VCV001485606.8), dbSNP rs1479233566, ClinGen allele CA2492981442.